The following is an entry in ClinVar:

ClinVar aggregate classification (germline): Uncertain significance (1 of 4 stars; one submission).

Submission:

CeGaT Center for Human Genetics Tuebingen
Classification: Uncertain significance. Last evaluated: 2022-08-01. Review status: criteria provided, single submitter. Criteria: CeGaT Center For Human Genetics Tuebingen Variant Classification Criteria Version 2. Collection method: clinical testing. Allele origin: germline. Affected: yes. Observed: 1 variant allele.
Comment: NSF: PM2, PP3

NM_006178.4(NSF):c.1937C>G (p.Thr646Ser)

Genes: LRRC37A2 (leucine rich repeat containing 37 member A2), NSF (N-ethylmaleimide sensitive factor, vesicle fusing ATPase; plus strand). Cytogenetic location: 17q21.31.
Variant type: single nucleotide variant.
Coding change: c.1937C>G on transcript NM_006178.4 (MANE Select); coding-DNA position 1937, C replaced by G.
Protein change: p.Thr646Ser; replaces threonine 646 with serine.
Molecular consequence: missense variant. On other transcripts: non-coding transcript variant (1).
Genome position (GRCh38, 1-based): chr17:46,749,801, C>G. VCF-style: chr17-46749801-C-G. GRCh37 (hg19) VCF-style: chr17-44827167-C-G.
Other names: short protein forms T646S.
Identifiers: ClinVar variation 2647868 (VCV002647868.24), dbSNP rs2545957408, ClinGen allele CA399995895.